The following is an entry in ClinVar:

NM_032581.4(HYCC1):c.1446C>T (p.Ser482=)

Gene: HYCC1 (hyccin PI4KA lipid kinase complex subunit 1; minus strand). Cytogenetic location: 7p15.3.
Variant type: single nucleotide variant.
Coding change: c.1446C>T on transcript NM_032581.4 (MANE Select); coding-DNA position 1446, C replaced by T.
Protein change: p.Ser482=; no amino-acid change (serine 482 retained).
Molecular consequence: synonymous variant. On other transcripts: 3 prime UTR variant (2).
Genome position (GRCh38, 1-based): chr7:22,945,709, G>A on the plus strand (C>T on the coding strand, the complement: HYCC1 is on the minus strand). VCF-style: chr7-22945709-G-A. GRCh37 (hg19) VCF-style: chr7-22985328-G-A.
Other names: c.*482C>T (NM_001363466.2); c.*440C>T (NM_001363467.2); c.1446C>T (NM_032581.3).
Identifiers: ClinVar variation 1643634 (VCV001643634.9), dbSNP rs780099618, ClinGen allele CA4185722.

ClinVar aggregate classification (germline): Likely benign. Review status: criteria provided, multiple submitters, no conflicts (2 of 4 stars). 2 submissions from 2 submitters: Likely benign (2). Last evaluated 2025-02-19.

Conditions:
HYCC1-related disorder. Also called: HYCC1-related condition.
Hypomyelination and Congenital Cataract (HLD5). Also called: hypomyelinating leukodystrophy 5. Identifiers: Orphanet 85163, MedGen C1864663, MONDO:0012514, OMIM 610532.

Allele frequency attached by ClinVar (database versions not stated): gnomAD 0.00003; ExAC 0.00004; gnomAD exomes 0.00004; TOPMed 0.00005.
gnomAD v4.1: 23 of 1,613,612 alleles (0.0014%); highest among the groups gnomAD compares: Middle Eastern, 0.016%; no homozygotes.

Submissions (2):

PreventionGenetics, part of Exact Sciences
Classification: Likely benign for HYCC1-related condition. Last evaluated: 2025-02-19. Review status: criteria provided, single submitter. Criteria: ACMG Guidelines, 2015. Collection method: clinical testing. Allele origin: germline.
Comment: This variant is classified as likely benign based on ACMG/AMP sequence variant interpretation guidelines (Richards et al. 2015 PMID: 25741868, with internal and published modifications).

Labcorp Genetics (formerly Invitae), Labcorp
Classification: Likely benign for Hypomyelination and Congenital Cataract. Last evaluated: 2022-06-13. Review status: criteria provided, single submitter. Criteria: Invitae Variant Classification Sherloc (09022015). Collection method: clinical testing. Allele origin: germline.